The following is an entry in ClinVar:

ClinVar aggregate classification (germline): Uncertain significance. Review status: criteria provided, multiple submitters, no conflicts (2 of 4 stars). 3 submissions from 3 submitters: Uncertain significance (2). 1 of the submissions does not count toward it. Last evaluated 2022-09-13.

Conditions:
Cardiovascular phenotype. Identifiers: MedGen CN230736.
Alstrom syndrome (ALMS). Identifiers: Orphanet 64, MedGen C0268425, MONDO:0008763, OMIM 203800.

Allele frequency attached by ClinVar (database versions not stated): gnomAD 0.00002; TOPMed 0.00002.
gnomAD v4.1: 24 of 1,612,178 alleles (0.0015%); highest among the groups gnomAD compares: Non-Finnish European, 0.002%; no homozygotes.

Submissions (3):

Ambry Genetics
Classification: Uncertain significance for Cardiovascular phenotype. Last evaluated: 2022-09-13. Review status: criteria provided, single submitter. Criteria: Ambry Variant Classification Scheme 2023. Collection method: clinical testing. Allele origin: germline.
Comment: The p.S292T variant (also known as c.875G>C), located in coding exon 5 of the ALMS1 gene, results from a G to C substitution at nucleotide position 875. The serine at codon 292 is replaced by threonine, an amino acid with similar properties. This amino acid position is well conserved in available vertebrate species. In addition, this alteration is predicted to be tolerated by in silico analysis. Since supporting evidence is limited at this time, the clinical significance of this alteration remains unclear.

Labcorp Genetics (formerly Invitae), Labcorp
Classification: Uncertain significance for Alstrom syndrome. Last evaluated: 2022-03-18. Review status: criteria provided, single submitter. Criteria: Invitae Variant Classification Sherloc (09022015). Collection method: clinical testing. Allele origin: germline.
Comment: This sequence change replaces serine, which is neutral and polar, with threonine, which is neutral and polar, at codon 292 of the ALMS1 protein (p.Ser292Thr). This variant is present in population databases (rs568470985, gnomAD 0.003%). This variant has not been reported in the literature in individuals affected with ALMS1-related conditions. ClinVar contains an entry for this variant (Variation ID: 552481). Experimental studies and prediction algorithms are not available or were not evaluated, and the functional significance of this variant is currently unknown. In summary, the available evidence is currently insufficient to determine the role of this variant in disease. Therefore, it has been classified as a Variant of Uncertain Significance.

Counsyl
Classification: Uncertain significance for Alstrom syndrome. Last evaluated: 2017-06-13. Review status: no assertion criteria provided. Collection method: clinical testing. Allele origin: unknown. Not counted in ClinVar's aggregate classification.

NM_001378454.1(ALMS1):c.872G>C (p.Ser291Thr)

Gene: ALMS1 (ALMS1 centrosome and basal body associated protein; plus strand). Cytogenetic location: 2p13.1.
Variant type: single nucleotide variant.
Coding change: c.872G>C on transcript NM_001378454.1 (MANE Select); coding-DNA position 872, G replaced by C.
Protein change: p.Ser291Thr; replaces serine 291 with threonine.
Molecular consequence: missense variant.
Genome position (GRCh38, 1-based): chr2:73,424,537, G>C. VCF-style: chr2-73424537-G-C. GRCh37 (hg19) VCF-style: chr2-73651665-G-C.
Other names: c.875G>C, p.Ser292Thr (NM_015120.4); short protein forms S292T, S291T.
Identifiers: ClinVar variation 552481 (VCV000552481.5), dbSNP rs568470985, ClinGen allele CA1713003.